The following is an entry in ClinVar:

ClinVar aggregate classification (germline): Uncertain significance (1 of 4 stars; one submission).

Submission:

Labcorp Genetics (formerly Invitae), Labcorp
Classification: Uncertain significance. Last evaluated: 2025-12-31. Review status: criteria provided, single submitter. Criteria: Invitae Variant Classification Sherloc (09022015). Collection method: clinical testing. Allele origin: germline.
Comment: This sequence change affects the initiator codon of the SH3KBP1 mRNA. This change may impact translation initiation or efficiency. The next in-frame methionine is located at codon 60. The frequency data for this variant in the population databases is considered unreliable, as metrics indicate insufficient coverage at this position in the gnomAD database. This variant has not been reported in the literature in individuals affected with SH3KBP1-related conditions. Experimental studies and prediction algorithms are not available or were not evaluated, and the functional significance of this variant is currently unknown. In summary, the available evidence is currently insufficient to determine the role of this variant in disease. Therefore, it has been classified as a Variant of Uncertain Significance.

NM_031892.3(SH3KBP1):c.1A>G (p.Met1Val)

Gene: SH3KBP1 (SH3 domain containing kinase binding protein 1; minus strand). Cytogenetic location: Xp22.12.
Variant type: single nucleotide variant.
Coding change: c.1A>G on transcript NM_031892.3 (MANE Select); coding-DNA position 1, A replaced by G.
Protein change: p.Met1Val; changes the start codon (methionine 1).
Molecular consequence: missense variant, initiator codon variant.
Genome position (GRCh38, 1-based): chrX:19,887,310, T>C on the plus strand (A>G on the coding strand, the complement: SH3KBP1 is on the minus strand). VCF-style: chrX-19887310-T-C. GRCh37 (hg19) VCF-style: chrX-19905428-T-C.
Other names: c.1A>G, p.Met1Val (NM_001353890.2, NM_001353891.2, NM_001353892.2 and 2 more transcripts); short protein forms M1V.
Identifiers: ClinVar variation 4797620 (VCV004797620.1).